The following is an entry in ClinVar:

ClinVar aggregate classification (germline): Uncertain significance. Review status: criteria provided, multiple submitters, no conflicts (2 of 4 stars). 3 submissions from 3 submitters: Uncertain significance (3). Last evaluated 2025-11-20.

Conditions:
Megalencephalic leukoencephalopathy with subcortical cysts 1 (MLC1). Also called: LEUKOENCEPHALOPATHY WITH SWELLING AND CYSTS; VACUOLATING MEGALENCEPHALIC LEUKOENCEPHALOPATHY WITH SUBCORTICAL CYSTS. Identifiers: Orphanet 2478, MedGen C5779875, MONDO:0024555, OMIM 604004.

Submissions (3):

Women's Health and Genetics/Laboratory Corporation of America, LabCorp
Classification: Uncertain significance. Last evaluated: 2025-11-20. Review status: criteria provided, single submitter. Criteria: LabCorp Variant Classification Summary - May 2015. Collection method: clinical testing. Allele origin: germline.
Comment: Variant summary: MLC1 c.177G>A (p.Gly59Gly) alters a conserved nucleotide located close to a canonical splice site and therefore could affect mRNA splicing, leading to a significantly altered protein sequence. Several computational tools predict a significant impact on normal splicing: Four predict the variant weakens a 5' donor site. However, these predictions have yet to be confirmed by functional studies. The variant was absent in 249342 control chromosomes. The available data on variant occurrences in the general population are insufficient to allow any conclusion about variant significance. c.177G>A has been observed in at least one individual affected with Megalencephalic Leukoencephalopathy With Subcortical Cysts 1 (example: Passchier_2024). This report does not provide unequivocal conclusions about association of the variant with Megalencephalic Leukoencephalopathy With Subcortical Cysts 1. To our knowledge, no experimental evidence demonstrating an impact on protein function has been reported. The following publication has been ascertained in the context of this evaluation (PMID: 38487253). ClinVar contains an entry for this variant (Variation ID: 1027949). Based on the evidence outlined above, the variant was classified as uncertain significance.

Labcorp Genetics (formerly Invitae), Labcorp
Classification: Uncertain significance. Last evaluated: 2022-08-17. Review status: criteria provided, single submitter. Criteria: Invitae Variant Classification Sherloc (09022015). Collection method: clinical testing. Allele origin: germline.
Comment: This sequence change affects codon 59 of the MLC1 mRNA. It is a 'silent' change, meaning that it does not change the encoded amino acid sequence of the MLC1 protein. This variant also falls at the last nucleotide of exon 2, which is part of the consensus splice site for this exon. This variant is not present in population databases (gnomAD no frequency). This variant has not been reported in the literature in individuals affected with MLC1-related conditions. ClinVar contains an entry for this variant (Variation ID: 1027949). Variants that disrupt the consensus splice site are a relatively common cause of aberrant splicing (PMID: 17576681, 9536098). Algorithms developed to predict the effect of sequence changes on RNA splicing suggest that this variant may create or strengthen a splice site. In summary, the available evidence is currently insufficient to determine the role of this variant in disease. Therefore, it has been classified as a Variant of Uncertain Significance.

Baylor Genetics
Classification: Uncertain significance for Megalencephalic leukoencephalopathy with subcortical cysts 1. Last evaluated: 2020-05-05. Review status: criteria provided, single submitter. Criteria: ACMG Guidelines, 2015. Collection method: clinical testing. Allele origin: unknown. Affected: yes.
Comment: This variant was determined to be of uncertain significance according to ACMG Guidelines, 2015 [PMID:25741868].

Literature cited by the submitters: PubMed 38487253 (cited by Women's Health and Genetics/Laboratory Corporation of America, LabCorp); PubMed 17576681 (cited by Labcorp Genetics (formerly Invitae), Labcorp); PubMed 9536098 (cited by Labcorp Genetics (formerly Invitae), Labcorp).

NM_015166.4(MLC1):c.177G>A (p.Gly59=)

Gene: MLC1 (modulator of VRAC current 1; minus strand). Cytogenetic location: 22q13.33.
Variant type: single nucleotide variant.
Coding change: c.177G>A on transcript NM_015166.4 (MANE Select); coding-DNA position 177, G replaced by A.
Protein change: p.Gly59=; no amino-acid change (glycine 59 retained).
Molecular consequence: synonymous variant. On other transcripts: non-coding transcript variant (3), intron variant (1).
Genome position (GRCh38, 1-based): chr22:50,084,726, C>T on the plus strand (G>A on the coding strand, the complement: MLC1 is on the minus strand). VCF-style: chr22-50084726-C-T. GRCh37 (hg19) VCF-style: chr22-50523155-C-T.
Other names: c.177G>A, p.Gly59= (NM_001376472.1, NM_001376473.1, NM_001376474.1 and 10 more transcripts); c.-59+629G>A (NM_001376484.1).
Identifiers: ClinVar variation 1027949 (VCV001027949.4), dbSNP rs2062237520, ClinGen allele CA515002429.